The following is an entry in ClinVar:

ClinVar aggregate classification (germline): Uncertain significance (1 of 4 stars; one submission).

Submission:

GeneDx
Classification: Uncertain significance. Last evaluated: 2023-06-09. Review status: criteria provided, single submitter. Criteria: GeneDx Variant Classification Process June 2021. Collection method: clinical testing. Allele origin: germline. Affected: yes.
Comment: Not observed at significant frequency in large population cohorts (gnomAD); In silico analysis supports that this missense variant does not alter protein structure/function; Has not been previously published as pathogenic or benign to our knowledge

NM_012281.3(KCND2):c.485T>G (p.Leu162Trp)

Gene: KCND2 (potassium voltage-gated channel subfamily D member 2; plus strand). Cytogenetic location: 7q31.31.
Variant type: single nucleotide variant.
Coding change: c.485T>G on transcript NM_012281.3 (MANE Select); coding-DNA position 485, T replaced by G.
Protein change: p.Leu162Trp; replaces leucine 162 with tryptophan.
Molecular consequence: missense variant.
Genome position (GRCh38, 1-based): chr7:120,275,117, T>G. VCF-style: chr7-120275117-T-G. GRCh37 (hg19) VCF-style: chr7-119915171-T-G.
Other names: short protein forms L162W.
Identifiers: ClinVar variation 3359460 (VCV003359460.1).